The following is an entry in ClinVar:

NM_017802.4(DNAAF5):c.1435C>G (p.Leu479Val)

Gene: DNAAF5 (dynein axonemal assembly factor 5; plus strand). Cytogenetic location: 7p22.3.
Variant type: single nucleotide variant.
Coding change: c.1435C>G on transcript NM_017802.4 (MANE Select); coding-DNA position 1435, C replaced by G.
Protein change: p.Leu479Val; replaces leucine 479 with valine.
Molecular consequence: missense variant. On other transcripts: non-coding transcript variant (1).
Genome position (GRCh38, 1-based): chr7:756,959, C>G. VCF-style: chr7-756959-C-G. GRCh37 (hg19) VCF-style: chr7-796596-C-G.
Other names: p.Leu479Val; c.1435C>G (NM_017802.3); short protein forms L479V.
Identifiers: ClinVar variation 1037433 (VCV001037433.8), dbSNP rs769427761, ClinGen allele CA4110727.

ClinVar aggregate classification (germline): Uncertain significance. Review status: criteria provided, multiple submitters, no conflicts (2 of 4 stars). 4 submissions from 4 submitters: Uncertain significance (4). Last evaluated 2025-08-19.

Conditions:
Primary ciliary dyskinesia. Also called: Ciliary dyskinesia. Identifiers: Orphanet 244, MedGen C0008780, MONDO:0016575, HP:0012265.

Allele frequency attached by ClinVar (database versions not stated): gnomAD 0.00001; TOPMed 0.00001; ExAC 0.00003; gnomAD exomes 0.00004.
gnomAD v4.1: 28 of 1,606,356 alleles (0.0017%); highest among the groups gnomAD compares: Admixed American, 0.01%; no homozygotes.

Submissions (4):

Ambry Genetics
Classification: Uncertain significance for Primary ciliary dyskinesia. Last evaluated: 2025-08-19. Review status: criteria provided, single submitter. Criteria: Ambry Variant Classification Scheme 2023. Collection method: clinical testing. Allele origin: germline.
Comment: The p.L479V variant (also known as c.1435C>G), located in coding exon 6 of the DNAAF5 gene, results from a C to G substitution at nucleotide position 1435. The leucine at codon 479 is replaced by valine, an amino acid with highly similar properties. This amino acid position is conserved. In addition, the in silico prediction for this alteration is inconclusive. Based on the available evidence, the clinical significance of this variant remains unclear.

Mayo Clinic Laboratories, Mayo Clinic
Classification: Uncertain significance. Last evaluated: 2025-01-20. Review status: criteria provided, single submitter. Criteria: ACMG Guidelines, 2015. Collection method: clinical testing. Allele origin: germline. Observed: 1 variant allele.

Blueprint Genetics
Classification: Uncertain significance. Last evaluated: 2024-08-06. Review status: criteria provided, single submitter. Criteria: ACMG Guidelines, 2015. Collection method: clinical testing. Allele origin: germline.

Labcorp Genetics (formerly Invitae), Labcorp
Classification: Uncertain significance for Primary ciliary dyskinesia. Last evaluated: 2021-09-01. Review status: criteria provided, single submitter. Criteria: Invitae Variant Classification Sherloc (09022015). Collection method: clinical testing. Allele origin: germline.
Comment: This sequence change replaces leucine with valine at codon 479 of the DNAAF5 protein (p.Leu479Val). The leucine residue is moderately conserved and there is a small physicochemical difference between leucine and valine. This variant is present in population databases (rs769427761, ExAC 0.02%). This variant has not been reported in the literature in individuals affected with DNAAF5-related conditions. Algorithms developed to predict the effect of missense changes on protein structure and function are either unavailable or do not agree on the potential impact of this missense change (SIFT: "Tolerated"; PolyPhen-2: "Possibly Damaging"; Align-GVGD: "Class C0"). In summary, the available evidence is currently insufficient to determine the role of this variant in disease. Therefore, it has been classified as a Variant of Uncertain Significance.